The following is an entry in ClinVar:

ClinVar aggregate classification (germline): Benign/Likely benign. Review status: criteria provided, multiple submitters, no conflicts (2 of 4 stars). 7 submissions from 7 submitters: Benign (2); Likely benign (2). 3 of the submissions do not count toward it. Last evaluated 2026-01-23.

Conditions:
RORC-related disorder. Also called: RORC-related condition.
Autosomal recessive mendelian susceptibility to mycobacterial diseases due to complete RORgamma receptor deficiency. Also called: Immunodeficiency 42. Identifiers: Orphanet 477857, MedGen C5567647, MONDO:0014710, OMIM 616622.

Allele frequency attached by ClinVar (database versions not stated): TOPMed 0.00489; 1000 Genomes Project 30x 0.00562; ESP Exome Variant Server 0.00415; 1000 Genomes Project 0.00419.
gnomAD v4.1: 2,116 of 1,609,822 alleles (0.13%); highest among the groups gnomAD compares: African/African-American, 1.3%; 9 homozygotes.

Submissions (7):

Labcorp Genetics (formerly Invitae), Labcorp
Classification: Benign for Autosomal recessive mendelian susceptibility to mycobacterial diseases due to complete RORgamma receptor deficiency. Last evaluated: 2026-01-23. Review status: criteria provided, single submitter. Criteria: Invitae Variant Classification Sherloc (09022015). Collection method: clinical testing. Allele origin: germline.

CeGaT Center for Human Genetics Tuebingen
Classification: Likely benign. Last evaluated: 2025-12-01. Review status: criteria provided, single submitter. Criteria: CeGaT Center For Human Genetics Tuebingen Variant Classification Criteria Version 2. Collection method: clinical testing. Allele origin: germline. Affected: yes. Observed: 1 variant allele.
Comment: RORC: BS1

Blueprint Genetics
Classification: Likely benign. Last evaluated: 2024-11-18. Review status: criteria provided, single submitter. Criteria: ACMG Guidelines, 2015. Collection method: clinical testing. Allele origin: germline.

Breakthrough Genomics
Classification: Benign. Review status: criteria provided, single submitter. Criteria: ACMG Guidelines, 2015. Collection method: not provided. Allele origin: germline. Inheritance: Autosomal recessive inheritance. Affected: yes.

PreventionGenetics, part of Exact Sciences
Classification: Benign for RORC-related condition. Last evaluated: 2024-07-25. Review status: no assertion criteria provided. Collection method: clinical testing. Allele origin: germline. Not counted in ClinVar's aggregate classification.
Comment: This variant is classified as benign based on ACMG/AMP sequence variant interpretation guidelines (Richards et al. 2015 PMID: 25741868, with internal and published modifications).

Clinical Genetics DNA and cytogenetics Diagnostics Lab, Erasmus MC, Erasmus Medical Center
Classification: Benign. Review status: no assertion criteria provided. Collection method: clinical testing. Allele origin: germline. Affected: yes. Study: VKGL Data-share Consensus. Not counted in ClinVar's aggregate classification.

Genome Diagnostics Laboratory, University Medical Center Utrecht
Classification: Likely benign. Review status: no assertion criteria provided. Collection method: clinical testing. Allele origin: germline. Affected: yes. Study: VKGL Data-share Consensus. Not counted in ClinVar's aggregate classification.

NM_005060.4(RORC):c.1391C>G (p.Ala464Gly)

Gene: RORC (RAR related orphan receptor C; minus strand). Cytogenetic location: 1q21.3.
Variant type: single nucleotide variant.
Coding change: c.1391C>G on transcript NM_005060.4 (MANE Select); coding-DNA position 1391, C replaced by G.
Protein change: p.Ala464Gly; replaces alanine 464 with glycine.
Molecular consequence: missense variant.
Genome position (GRCh38, 1-based): chr1:151,811,329, G>C on the plus strand (C>G on the coding strand, the complement: RORC is on the minus strand). VCF-style: chr1-151811329-G-C. GRCh37 (hg19) VCF-style: chr1-151783805-G-C.
Other names: c.1328C>G, p.Ala443Gly (NM_001001523.2); short protein forms A464G, A443G.
Identifiers: ClinVar variation 777933 (VCV000777933.21), dbSNP rs113195254, ClinGen allele CA1095675.
Genomic context (GRCh38, chr1:151,811,329, plus strand): 5'-GATGTTACAGAGCTAGCGATGGGCCTGGCCTCTTCTACCCCAGGGACTGCTCCTACCTTT[G>C]CCAGGATGCTTTGGCGATGAGTCTTGCAGAGATGATGATGAAAGGCCAGCTCCAGATTGT-3'
Protein context (NP_005051.2, residues 454-474): LCKTHRQSIL[Ala464Gly]KLPPKGKLRS